The following is an entry in ClinVar:

ClinVar aggregate classification (germline): Uncertain significance. Review status: criteria provided, multiple submitters, no conflicts (2 of 4 stars). 2 submissions from 2 submitters: Uncertain significance (2). Last evaluated 2025-06-03.

Conditions:
Inborn genetic diseases. Identifiers: MedGen C0950123, MeSH D030342.
Myasthenic syndrome, congenital, 22 (CMS22). Also called: PREPL DEFICIENCY. Identifiers: MedGen C4479088, MONDO:0044299, OMIM 616224.

Allele frequency attached by ClinVar (database versions not stated): gnomAD exomes below 0.00001; TOPMed below 0.00001; gnomAD 0.00001; 1000 Genomes Project 30x 0.00016; 1000 Genomes Project 0.00020.
gnomAD v4.1: 3 of 1,613,630 alleles (0.00019%); highest among the groups gnomAD compares: East Asian, 0.0067%; no homozygotes.

Submissions (2):

Ambry Genetics
Classification: Uncertain significance for Inborn genetic diseases. Last evaluated: 2025-06-03. Review status: criteria provided, single submitter. Criteria: Ambry Variant Classification Scheme 2023. Collection method: clinical testing. Allele origin: germline.

Labcorp Genetics (formerly Invitae), Labcorp
Classification: Uncertain significance for Myasthenic syndrome, congenital, 22. Last evaluated: 2024-04-10. Review status: criteria provided, single submitter. Criteria: Invitae Variant Classification Sherloc (09022015). Collection method: clinical testing. Allele origin: germline.
Comment: This sequence change replaces glycine, which is neutral and non-polar, with aspartic acid, which is acidic and polar, at codon 688 of the PREPL protein (p.Gly688Asp). This variant is not present in population databases (gnomAD no frequency). This variant has not been reported in the literature in individuals affected with PREPL-related conditions. ClinVar contains an entry for this variant (Variation ID: 967466). Advanced modeling of protein sequence and biophysical properties (such as structural, functional, and spatial information, amino acid conservation, physicochemical variation, residue mobility, and thermodynamic stability) performed at Invitae indicates that this missense variant is not expected to disrupt PREPL protein function with a negative predictive value of 80%. In summary, the available evidence is currently insufficient to determine the role of this variant in disease. Therefore, it has been classified as a Variant of Uncertain Significance.

NM_001171613.2(PREPL):c.1796G>A (p.Gly599Asp)

Genes: PREPL (prolyl endopeptidase like; minus strand), SLC3A1 (solute carrier family 3 member 1; plus strand). Cytogenetic location: 2p21.
Variant type: single nucleotide variant.
Coding change: c.1796G>A on transcript NM_001171613.2 (MANE Select); coding-DNA position 1796, G replaced by A.
Protein change: p.Gly599Asp; replaces glycine 599 with aspartic acid.
Molecular consequence: missense variant.
Genome position (GRCh38, 1-based): chr2:44,321,858, C>T on the plus strand (G>A on the coding strand, the complement: PREPL is on the minus strand). VCF-style: chr2-44321858-C-T. GRCh37 (hg19) VCF-style: chr2-44548997-C-T.
Other names: c.1877G>A, p.Gly626Asp (NM_001042385.2); c.1865G>A, p.Gly622Asp (NM_001042386.2); c.2063G>A, p.Gly688Asp (NM_001171603.1, NM_001171606.2, NM_001374275.1 and 2 more transcripts); c.1796G>A, p.Gly599Asp (NM_001171617.1, NM_001374277.1); short protein forms G599D, G622D, G626D, G688D.
Identifiers: ClinVar variation 967466 (VCV000967466.11), dbSNP rs537911061, ClinGen allele CA46524162.